The following is an entry in ClinVar:

ClinVar aggregate classification (germline): Uncertain significance (1 of 4 stars; one submission).

Conditions:
Primary dilated cardiomyopathy (DCM). Also called: Dilated Cardiomyopathy. Identifiers: Orphanet 217604, MedGen C0007193, MeSH D002311, MONDO:0005021, HP:0001644. Inheritance: Various modes of inheritance.

gnomAD v4.1: 21 of 1,611,552 alleles (0.0013%); highest among the groups gnomAD compares: Admixed American, 0.01%; no homozygotes.

Submission:

Labcorp Genetics (formerly Invitae), Labcorp
Classification: Uncertain significance for Primary dilated cardiomyopathy. Last evaluated: 2024-08-22. Review status: criteria provided, single submitter. Criteria: Invitae Variant Classification Sherloc (09022015). Collection method: clinical testing. Allele origin: germline.
Comment: This sequence change replaces glutamic acid, which is acidic and polar, with aspartic acid, which is acidic and polar, at codon 553 of the NEBL protein (p.Glu553Asp). This variant is present in population databases (rs779426326, gnomAD 0.006%). This variant has not been reported in the literature in individuals affected with NEBL-related conditions. An algorithm developed to predict the effect of missense changes on protein structure and function outputs the following: PolyPhen-2: "Benign". The aspartic acid amino acid residue is found in multiple mammalian species, which suggests that this missense change does not adversely affect protein function. In summary, the available evidence is currently insufficient to determine the role of this variant in disease. Therefore, it has been classified as a Variant of Uncertain Significance.

NM_006393.3(NEBL):c.1659A>T (p.Glu553Asp)

Gene: NEBL (nebulette; minus strand). Cytogenetic location: 10p12.31.
Variant type: single nucleotide variant.
Coding change: c.1659A>T on transcript NM_006393.3 (MANE Select); coding-DNA position 1659, A replaced by T.
Protein change: p.Glu553Asp; replaces glutamic acid 553 with aspartic acid.
Molecular consequence: missense variant. On other transcripts: intron variant (9).
Genome position (GRCh38, 1-based): chr10:20,831,208, T>A on the plus strand (A>T on the coding strand, the complement: NEBL is on the minus strand). VCF-style: chr10-20831208-T-A. GRCh37 (hg19) VCF-style: chr10-21120137-T-A.
Other names: c.250-18268A>T (NM_001377326.1, NM_001377327.1, NM_001377328.1); c.358-18268A>T (NM_213569.2, NM_001173484.2, NM_001377322.1); c.301-18268A>T (NM_001377324.1); c.292-18268A>T (NM_001377325.1); c.310-18268A>T (NM_001377323.1); short protein forms E553D.
Identifiers: ClinVar variation 3705523 (VCV003705523.2).